The following is an entry in ClinVar:

NM_005431.2(XRCC2):c.772C>T (p.Arg258Cys)

Gene: XRCC2 (X-ray repair cross complementing 2; minus strand). Cytogenetic location: 7q36.1.
Variant type: single nucleotide variant.
Coding change: c.772C>T on transcript NM_005431.2 (MANE Select); coding-DNA position 772, C replaced by T.
Protein change: p.Arg258Cys; replaces arginine 258 with cysteine.
Molecular consequence: missense variant.
Genome position (GRCh38, 1-based): chr7:152,648,713, G>A on the plus strand (C>T on the coding strand, the complement: XRCC2 is on the minus strand). VCF-style: chr7-152648713-G-A. GRCh37 (hg19) VCF-style: chr7-152345798-G-A.
Other names: short protein forms R258C.
Identifiers: ClinVar variation 929634 (VCV000929634.17), dbSNP rs759300252, ClinGen allele CA4582297.

ClinVar aggregate classification (germline): Uncertain significance. Review status: criteria provided, multiple submitters, no conflicts (2 of 4 stars). 5 submissions from 5 submitters: Uncertain significance (3). 2 of the submissions do not count toward it. Last evaluated 2025-08-07.

Conditions:
Hereditary cancer-predisposing syndrome. Also called: Neoplastic Syndromes, Hereditary; Hereditary Cancer Syndrome; Tumor predisposition; Hereditary neoplastic syndrome. Identifiers: Orphanet 140162, MedGen C0027672, MeSH D009386, MONDO:0015356.
XRCC2-related disorder. Also called: XRCC2-related condition.

Allele frequency attached by ClinVar (database versions not stated): gnomAD exomes below 0.00001; ExAC 0.00001; gnomAD 0.00002; TOPMed 0.00002.
gnomAD v4.1: 10 of 1,612,610 alleles (0.00062%); highest among the groups gnomAD compares: Admixed American, 0.0034%; no homozygotes.

Submissions (5):

Labcorp Genetics (formerly Invitae), Labcorp
Classification: Uncertain significance. Last evaluated: 2025-08-07. Review status: criteria provided, single submitter. Criteria: Invitae Variant Classification Sherloc (09022015). Collection method: clinical testing. Allele origin: germline.
Comment: This sequence change replaces arginine, which is basic and polar, with cysteine, which is neutral and slightly polar, at codon 258 of the XRCC2 protein (p.Arg258Cys). This variant is present in population databases (rs759300252, gnomAD 0.006%). This variant has not been reported in the literature in individuals affected with XRCC2-related conditions. ClinVar contains an entry for this variant (Variation ID: 929634). Invitae Evidence Modeling of protein sequence and biophysical properties (such as structural, functional, and spatial information, amino acid conservation, physicochemical variation, residue mobility, and thermodynamic stability) indicates that this missense variant is not expected to disrupt XRCC2 protein function with a negative predictive value of 80%. Experimental studies have shown that this missense change does not substantially affect XRCC2 function (PMID: 27233470). In summary, the available evidence is currently insufficient to determine the role of this variant in disease. Therefore, it has been classified as a Variant of Uncertain Significance.

Quest Diagnostics Nichols Institute San Juan Capistrano
Classification: Uncertain significance. Last evaluated: 2024-11-20. Review status: criteria provided, single submitter. Criteria: Quest Diagnostics criteria. Collection method: clinical testing. Allele origin: unknown.
Comment: The XRCC2 c.772C>T (p.Arg258Cys) variant has been reported in the published literature in in reportedly healthy individuals (PMID: 23054243 (2012), 33471991 (2021), see also LOVD). Assessment of experimental evidence suggests this variant does not affect XRCC2 protein function, however additional studies are required to validate these findings (PMID: 27233470 (2016)). The frequency of this variant in the general population, 0.0000071 (2/281302 chromosomes (Genome Aggregation Database)), is uninformative in the assessment of its pathogenicity. Analysis of this variant using bioinformatics tools for the prediction of the effect of amino acid changes on protein structure and function yielded predictions that this variant is benign. Based on the available information, we are unable to determine the clinical significance of this variant.

Ambry Genetics
Classification: Uncertain significance for Hereditary cancer-predisposing syndrome. Last evaluated: 2024-08-17. Review status: criteria provided, single submitter. Criteria: Ambry Variant Classification Scheme 2023. Collection method: clinical testing. Allele origin: germline.
Comment: The p.R258C variant (also known as c.772C>T), located in coding exon 3 of the XRCC2 gene, results from a C to T substitution at nucleotide position 772. The arginine at codon 258 is replaced by cysteine, an amino acid with highly dissimilar properties. In one study, this alteration was not detected in an international cohort of 3548 familial breast cancer cases but was identified in 1/1435 healthy controls (Hilbers FS et al. J. Med. Genet., 2012 Oct;49:618-20). This amino acid position is not well conserved in available vertebrate species. In addition, this alteration is predicted to be tolerated by in silico analysis. Since supporting evidence is limited at this time, the clinical significance of this alteration remains unclear.

PreventionGenetics, part of Exact Sciences
Classification: Uncertain significance for XRCC2-related condition. Last evaluated: 2023-11-13. Review status: no assertion criteria provided. Collection method: clinical testing. Allele origin: germline. Not counted in ClinVar's aggregate classification.
Comment: The XRCC2 c.772C>T variant is predicted to result in the amino acid substitution p.Arg258Cys. To our knowledge, this variant has not been reported in individuals with XRCC2-related disorders but was identified in healthy controls (Hilbers FS et al 2012. PubMed ID: 23054243). This variant is reported in 0.0029% of alleles in individuals of Latino descent in gnomAD and is classified as variant of uncertain significance in ClinVar. At this time, the clinical significance of this variant is uncertain due to the absence of conclusive functional and genetic evidence.

Leiden Open Variation Database
Classification: Uncertain significance. Last evaluated: 2016-04-14. Review status: no assertion criteria provided. Collection method: curation. Allele origin: germline. Affected: yes. Not counted in ClinVar's aggregate classification.
Comment: Curator: Arleen D. Auerbach. Submitter to LOVD: Florentine Hilbers.

Literature cited by the submitters: PubMed 27233470 (cited by Labcorp Genetics (formerly Invitae), Labcorp and Quest Diagnostics Nichols Institute San Juan Capistrano); PubMed 33471991 (cited by Quest Diagnostics Nichols Institute San Juan Capistrano); PubMed 23054243 (cited by 3 submitters).